The following is an entry in ClinVar:

NM_002887.4(RARS1):c.76A>T (p.Ile26Phe)

Gene: RARS1 (arginyl-tRNA synthetase 1; plus strand). Cytogenetic location: 5q34.
Variant type: single nucleotide variant.
Coding change: c.76A>T on transcript NM_002887.4 (MANE Select); coding-DNA position 76, A replaced by T.
Protein change: p.Ile26Phe; replaces isoleucine 26 with phenylalanine.
Molecular consequence: missense variant.
Genome position (GRCh38, 1-based): chr5:168,488,632, A>T. VCF-style: chr5-168488632-A-T. GRCh37 (hg19) VCF-style: chr5-167915637-A-T.
Other names: short protein forms I26F.
Identifiers: ClinVar variation 1026616 (VCV001026616.8), dbSNP rs1758017527, ClinGen allele CA362077712.

ClinVar aggregate classification (germline): Uncertain significance (1 of 4 stars; one submission).

Submission:

Labcorp Genetics (formerly Invitae), Labcorp
Classification: Uncertain significance. Last evaluated: 2022-08-16. Review status: criteria provided, single submitter. Criteria: Invitae Variant Classification Sherloc (09022015). Collection method: clinical testing. Allele origin: germline.
Comment: In summary, the available evidence is currently insufficient to determine the role of this variant in disease. Therefore, it has been classified as a Variant of Uncertain Significance. Algorithms developed to predict the effect of missense changes on protein structure and function are either unavailable or do not agree on the potential impact of this missense change (SIFT: "Tolerated"; PolyPhen-2: "Possibly Damaging"; Align-GVGD: "Class C0"). ClinVar contains an entry for this variant (Variation ID: 1026616). This variant has not been reported in the literature in individuals affected with RARS-related conditions. This variant is not present in population databases (gnomAD no frequency). This sequence change replaces isoleucine, which is neutral and non-polar, with phenylalanine, which is neutral and non-polar, at codon 26 of the RARS protein (p.Ile26Phe).